The following is an entry in ClinVar:

NM_000516.7(GNAS):c.432+2_432+15del

Gene: GNAS (GNAS complex locus; plus strand). Cytogenetic location: 20q13.32.
Variant type: Deletion.
Coding change: c.432+2_432+15del on transcript NM_000516.7 (MANE Select); the canonical splice donor site of the intron after coding-DNA position 432 through 15 bases into the intron after coding-DNA position 432, 14 bases deleted (TAAGCTACACCCCG).
Molecular consequence: splice donor variant.
Genome position (GRCh38, 1-based): chr20:58,903,793-58,903,806, TAAGCTACACCCCG deleted; deleting any 14 consecutive bases within chr20:58,903,789-58,903,806 gives the same sequence; the c. name uses the placement nearest the transcript's 3' end. VCF-style (leftmost placement, unchanged base first): chr20-58903788-TCCCGTAAGCTACAC-T. GRCh37 (hg19) VCF-style: chr20-57478843-TCCCGTAAGCTACAC-T.
Other names: c.*338+2_*338+15del (NM_016592.5); c.255+2_255+15del (NM_001309861.2, NM_001309840.2); c.*293+2_*293+15del (NM_001077490.3); c.2361+2_2361+15del (NM_080425.4); c.435+2_435+15del (NM_001077488.5); c.390+2_390+15del (NM_080426.4); c.387+2_387+15del (NM_001077489.4).
Identifiers: ClinVar variation 1216795 (VCV001216795.3), dbSNP rs2146185615, ClinGen allele CA2499225789.

ClinVar aggregate classification (germline): Pathogenic (1 of 4 stars; one submission).

Submission:

GeneDx
Classification: Pathogenic. Last evaluated: 2019-05-03. Review status: criteria provided, single submitter. Criteria: GeneDx Variant Classification Process June 2021. Collection method: clinical testing. Allele origin: germline. Affected: yes.
Comment: Canonical splice site variant predicted to result in an in-frame deletion of a critical region; Not observed in large population cohorts (Lek et al., 2016); Has not been previously published as pathogenic or benign to our knowledge